The following is an entry in ClinVar:

ClinVar aggregate classification (germline): Pathogenic. Review status: reviewed by expert panel (3 of 4 stars). 2 submissions from 2 submitters: Pathogenic (1). 1 of the submissions does not count toward it. Last evaluated 2016-09-08.

Conditions:
Breast-ovarian cancer, familial, susceptibility to, 1 (BROVCA1). Also called: BRCA1 Hereditary Breast and Ovarian Cancer; OVARIAN CANCER, SUSCEPTIBILITY TO. Identifiers: Orphanet 145, MedGen C2676676, MONDO:0011450, OMIM 604370. Disease mechanism: loss of function.
Hereditary breast ovarian cancer syndrome. Also called: BRCA1- and BRCA2-Associated Hereditary Breast and Ovarian Cancer; Hereditary breast and ovarian cancer syndrome; Hereditary breast and ovarian cancer syndrome (HBOC); Breast and ovarian cancer; Hereditary breast and/or ovarian cancer syndrome; Hereditary breast and ovarian cancer. Identifiers: Orphanet 145, MedGen C0677776, MeSH D061325, MONDO:0003582. Disease mechanism: loss of function.

Submissions (2):

Evidence-based Network for the Interpretation of Germline Mutant Alleles (ENIGMA)
Classification: Pathogenic for Breast-ovarian cancer, familial, susceptibility to, 1. Last evaluated: 2016-09-08. Review status: reviewed by expert panel. Criteria: ENIGMA BRCA1/2 Classification Criteria (2015). Collection method: curation. Allele origin: germline.
Comment: Variant allele predicted to encode a truncated non-functional protein.

Research Molecular Genetics Laboratory, Women's College Hospital, University of Toronto
Classification: Pathogenic for Hereditary breast ovarian cancer syndrome. Last evaluated: 2014-01-31. Review status: no assertion criteria provided. Collection method: research. Allele origin: germline. Affected: yes. Study: The Canadian Open Genetics Repository (COGR). Not counted in ClinVar's aggregate classification.

NM_007294.4(BRCA1):c.4695dup (p.Ser1566fs)

Gene: BRCA1 (BRCA1 DNA repair associated; minus strand). Cytogenetic location: 17q21.31.
Variant type: Duplication.
Coding change: c.4695dup on transcript NM_007294.4 (MANE Select); coding-DNA position 4695, one base duplicated (A; older notation c.4695dupA).
Protein change: p.Ser1566fs; shifts the reading frame from serine 1566.
Molecular consequence: frameshift variant. On other transcripts: non-coding transcript variant (1).
Genome position (GRCh38, 1-based): chr17:43,071,219, T duplicated on the plus strand (A on the coding strand, the reverse complement: BRCA1 is on the minus strand); the first of 2 consecutive T bases (chr17:43,071,219-43,071,220); duplicating either gives the same sequence. VCF-style (leftmost placement, unchanged base first): chr17-43071218-A-AT. GRCh37 (hg19) VCF-style: chr17-41223235-A-AT.
Other names: c.4695dupA (NM_007294.3); c.1121dup, p.Ser375Ilefs (NM_001408496.1, NM_001408497.1, NM_001408498.1 and 3 more transcripts); c.1118dup, p.Ser374Ilefs (NM_001408502.1, NM_001408503.1, NM_001408504.1); c.1115dup, p.Ser373Ilefs (NM_001408505.1); c.1058dup, p.Ser354Ilefs (NM_001408506.1); c.1055dup, p.Ser353Ilefs (NM_001408507.1); c.1046dup, p.Ser350Ilefs (NM_001408508.1); c.1043dup, p.Ser349Ilefs (NM_001408509.1); and 74 more; short protein forms S1566fs, S1519fs, S462fs, S1587fs.
Identifiers: ClinVar variation 55263 (VCV000055263.4), dbSNP rs397509189, ClinGen allele CA327938.